The following is an entry in ClinVar:

NM_015102.5(NPHP4):c.674-10A>G

Gene: NPHP4 (nephrocystin 4; minus strand). Cytogenetic location: 1p36.31.
Variant type: single nucleotide variant.
Coding change: c.674-10A>G on transcript NM_015102.5 (MANE Select); 10 bases into the intron before coding-DNA position 674, A replaced by G.
Molecular consequence: intron variant.
Genome position (GRCh38, 1-based): chr1:5,952,846, T>C on the plus strand (A>G on the coding strand, the complement: NPHP4 is on the minus strand). VCF-style: chr1-5952846-T-C. GRCh37 (hg19) VCF-style: chr1-6012906-T-C.
Other names: p.?; c.674-10A>G (NM_015102.4); c.-693-10A>G (NM_001291594.2); c.-556-4595A>G (NM_001291593.2).
Identifiers: ClinVar variation 1624091 (VCV001624091.12), dbSNP rs1031299307, ClinGen allele CA17161347.
Genomic context (GRCh38, chr1:5,952,846, plus strand): 5'-CCAAGTGCCCCGTGATGGGCTTCTGGAGGCGAGGCTTTCGGAGAGCGTCGCCTGAAACAG[T>C]GAGGGTGCGAAAAGGGTCATCCTTGGGAATAAAACACCCACTGGCAGCCACCGAGGGTCC-3'

ClinVar aggregate classification (germline): Likely benign. Review status: criteria provided, multiple submitters, no conflicts (2 of 4 stars). 4 submissions from 4 submitters: Likely benign (4). Last evaluated 2025-05-07.

Conditions:
NPHP4-related disorder. Also called: NPHP4-related disorders; NPHP4-related condition. Identifiers: MedGen CN239384.
Nephronophthisis. Also called: Juvenile Nephronophthisis. Identifiers: Orphanet 655, MedGen C0687120, MONDO:0019005, HP:0000090.
Senior-Loken syndrome 4 (SLSN4). Identifiers: Orphanet 3156, MedGen C1846979, MONDO:0011756, OMIM 606996.
Nephronophthisis 4 (NPHP4). Also called: NEPHRONOPHTHISIS 4, JUVENILE. Identifiers: Orphanet 655, MedGen C1847013, MONDO:0011752, OMIM 606966.

Allele frequency attached by ClinVar (database versions not stated): gnomAD exomes 0.00001.
gnomAD v4.1: 9 of 1,593,480 alleles (0.00056%); highest among the groups gnomAD compares: African/African-American, 0.0081%; no homozygotes.

Submissions (4):

PreventionGenetics, part of Exact Sciences
Classification: Likely benign for NPHP4-related condition. Last evaluated: 2025-05-07. Review status: criteria provided, single submitter. Criteria: ACMG Guidelines, 2015. Collection method: clinical testing. Allele origin: germline.
Comment: This variant is classified as likely benign based on ACMG/AMP sequence variant interpretation guidelines (Richards et al. 2015 PMID: 25741868, with internal and published modifications).

Labcorp Genetics (formerly Invitae), Labcorp
Classification: Likely benign for Nephronophthisis. Last evaluated: 2025-03-18. Review status: criteria provided, single submitter. Criteria: Invitae Variant Classification Sherloc (09022015). Collection method: clinical testing. Allele origin: germline.

Mayo Clinic Laboratories, Mayo Clinic
Classification: Likely benign. Last evaluated: 2024-12-03. Review status: criteria provided, single submitter. Criteria: ACMG Guidelines, 2015. Collection method: clinical testing. Allele origin: germline. Observed: 1 variant allele.
Comment: BP4, BP7

Fulgent Genetics
Classification: Likely benign for Nephronophthisis 4; Senior-Loken syndrome 4. Last evaluated: 2022-04-13. Review status: criteria provided, single submitter. Criteria: ACMG Guidelines, 2015. Collection method: clinical testing. Allele origin: unknown.